The following is an entry in ClinVar:

NM_013266.4(CTNNA3):c.1472A>G (p.His491Arg)

Gene: CTNNA3 (catenin alpha 3; minus strand). Cytogenetic location: 10q21.3.
Variant type: single nucleotide variant.
Coding change: c.1472A>G on transcript NM_013266.4 (MANE Select); coding-DNA position 1472, A replaced by G.
Protein change: p.His491Arg; replaces histidine 491 with arginine.
Molecular consequence: missense variant.
Genome position (GRCh38, 1-based): chr10:66,520,676, T>C on the plus strand (A>G on the coding strand, the complement: CTNNA3 is on the minus strand). VCF-style: chr10-66520676-T-C. GRCh37 (hg19) VCF-style: chr10-68280434-T-C.
Other names: c.1472A>G, p.His491Arg (NM_001127384.3); short protein forms H491R.
Identifiers: ClinVar variation 3270114 (VCV003270114.1).

ClinVar aggregate classification (germline): Uncertain significance (1 of 4 stars; one submission).

gnomAD v4.1: 15 of 1,611,724 alleles (0.00093%); highest among the groups gnomAD compares: African/African-American, 0.0094%; no homozygotes.

Submission:

Ambry Genetics
Classification: Uncertain significance. Last evaluated: 2024-05-07. Review status: criteria provided, single submitter. Criteria: Ambry Variant Classification Scheme 2023. Collection method: clinical testing. Allele origin: germline.
Comment: The p.H491R variant (also known as c.1472A>G), located in coding exon 10 of the CTNNA3 gene, results from an A to G substitution at nucleotide position 1472. The histidine at codon 491 is replaced by arginine, an amino acid with highly similar properties. This amino acid position is conserved. In addition, this alteration is predicted to be tolerated by in silico analysis. Based on the available evidence, the clinical significance of this variant remains unclear.